The following is an entry in ClinVar:

NM_001378452.1(ITPR1):c.2038G>T (p.Val680Phe)

Gene: ITPR1 (inositol 1,4,5-trisphosphate receptor type 1; plus strand). Cytogenetic location: 3p26.1.
Variant type: single nucleotide variant.
Coding change: c.2038G>T on transcript NM_001378452.1 (MANE Select); coding-DNA position 2038, G replaced by T.
Protein change: p.Val680Phe; replaces valine 680 with phenylalanine.
Molecular consequence: missense variant.
Genome position (GRCh38, 1-based): chr3:4,670,760, G>T. VCF-style: chr3-4670760-G-T. GRCh37 (hg19) VCF-style: chr3-4712444-G-T.
Other names: c.2038G>T, p.Val680Phe (NM_001099952.4); c.1993G>T, p.Val665Phe (NM_001168272.2, NM_002222.7); short protein forms V680F, V665F.
Identifiers: ClinVar variation 3644305 (VCV003644305.2).

ClinVar aggregate classification (germline): Uncertain significance (1 of 4 stars; one submission).

Submission:

Labcorp Genetics (formerly Invitae), Labcorp
Classification: Uncertain significance. Last evaluated: 2024-03-03. Review status: criteria provided, single submitter. Criteria: Invitae Variant Classification Sherloc (09022015). Collection method: clinical testing. Allele origin: germline.
Comment: This sequence change replaces valine, which is neutral and non-polar, with phenylalanine, which is neutral and non-polar, at codon 665 of the ITPR1 protein (p.Val665Phe). This variant is not present in population databases (gnomAD no frequency). This variant has not been reported in the literature in individuals affected with ITPR1-related conditions. Advanced modeling of protein sequence and biophysical properties (such as structural, functional, and spatial information, amino acid conservation, physicochemical variation, residue mobility, and thermodynamic stability) performed at Invitae indicates that this missense variant is not expected to disrupt ITPR1 protein function with a negative predictive value of 95%. In summary, the available evidence is currently insufficient to determine the role of this variant in disease. Therefore, it has been classified as a Variant of Uncertain Significance.